The following is an entry in ClinVar:

ClinVar aggregate classification (germline): Uncertain significance (1 of 4 stars; one submission).

Conditions:
Renal carnitine transport defect (CDSP). Also called: Primary carnitine deficiency; Systemic primary carnitine deficiency; CARNITINE DEFICIENCY, SYSTEMIC, DUE TO DEFECT IN RENAL REABSORPTION OF CARNITINE; CARNITINE TRANSPORTER, PLASMA-MEMBRANE, DEFICIENCY OF; CARNITINE UPTAKE DEFECT; Carnitine transporter deficiency. Identifiers: Orphanet 158, MedGen C0342788, MONDO:0008919, OMIM 212140.

Submission:

Labcorp Genetics (formerly Invitae), Labcorp
Classification: Uncertain significance for Renal carnitine transport defect. Last evaluated: 2021-09-01. Review status: criteria provided, single submitter. Criteria: Invitae Variant Classification Sherloc (09022015). Collection method: clinical testing. Allele origin: germline.
Comment: This sequence change replaces isoleucine with methionine at codon 354 of the SLC22A5 protein (p.Ile354Met). The isoleucine residue is moderately conserved and there is a small physicochemical difference between isoleucine and methionine. This variant is not present in population databases (ExAC no frequency). This variant has not been reported in the literature in individuals affected with SLC22A5-related conditions. Algorithms developed to predict the effect of missense changes on protein structure and function (SIFT, PolyPhen-2, Align-GVGD) all suggest that this variant is likely to be tolerated. Algorithms developed to predict the effect of sequence changes on RNA splicing suggest that this variant may create or strengthen a splice site. In summary, the available evidence is currently insufficient to determine the role of this variant in disease. Therefore, it has been classified as a Variant of Uncertain Significance.

NM_003060.4(SLC22A5):c.1062A>G (p.Ile354Met)

Gene: SLC22A5 (solute carrier family 22 member 5; plus strand). Cytogenetic location: 5q31.1.
Variant type: single nucleotide variant.
Coding change: c.1062A>G on transcript NM_003060.4 (MANE Select); coding-DNA position 1062, A replaced by G.
Protein change: p.Ile354Met; replaces isoleucine 354 with methionine.
Molecular consequence: missense variant.
Genome position (GRCh38, 1-based): chr5:132,390,699, A>G. VCF-style: chr5-132390699-A-G. GRCh37 (hg19) VCF-style: chr5-131726391-A-G.
Other names: c.1134A>G, p.Ile378Met (NM_001308122.2); short protein forms I354M, I378M.
Identifiers: ClinVar variation 1480070 (VCV001480070.5), dbSNP rs2126789583, ClinGen allele CA360807393.